The following is an entry in ClinVar:

NM_002857.4(PEX19):c.644T>C (p.Phe215Ser)

Gene: PEX19 (peroxisomal biogenesis factor 19; minus strand). Cytogenetic location: 1q23.2.
Variant type: single nucleotide variant.
Coding change: c.644T>C on transcript NM_002857.4 (MANE Select); coding-DNA position 644, T replaced by C.
Protein change: p.Phe215Ser; replaces phenylalanine 215 with serine.
Molecular consequence: missense variant. On other transcripts: non-coding transcript variant (2).
Genome position (GRCh38, 1-based): chr1:160,280,197, A>G on the plus strand (T>C on the coding strand, the complement: PEX19 is on the minus strand). VCF-style: chr1-160280197-A-G. GRCh37 (hg19) VCF-style: chr1-160249987-A-G.
Other names: c.644T>C, p.Phe215Ser (NM_001193644.1); short protein forms F215S.
Identifiers: ClinVar variation 1362231 (VCV001362231.7), dbSNP rs2101800093, ClinGen allele CA343258000.

ClinVar aggregate classification (germline): Uncertain significance (1 of 4 stars; one submission).

Conditions:
Peroxisome biogenesis disorder 12A (Zellweger). Also called: Peroxisome biogenesis disorder 12A. Identifiers: Orphanet 912, MedGen C3554002, MONDO:0013951, OMIM 614886.

Submission:

Labcorp Genetics (formerly Invitae), Labcorp
Classification: Uncertain significance for Peroxisome biogenesis disorder 12A (Zellweger). Last evaluated: 2022-07-16. Review status: criteria provided, single submitter. Criteria: Invitae Variant Classification Sherloc (09022015). Collection method: clinical testing. Allele origin: germline.
Comment: This sequence change replaces phenylalanine, which is neutral and non-polar, with serine, which is neutral and polar, at codon 215 of the PEX19 protein (p.Phe215Ser). This variant is not present in population databases (gnomAD no frequency). This variant has not been reported in the literature in individuals affected with PEX19-related conditions. ClinVar contains an entry for this variant (Variation ID: 1362231). Algorithms developed to predict the effect of missense changes on protein structure and function are either unavailable or do not agree on the potential impact of this missense change (SIFT: "Tolerated"; PolyPhen-2: "Possibly Damaging"; Align-GVGD: "Class C0"). In summary, the available evidence is currently insufficient to determine the role of this variant in disease. Therefore, it has been classified as a Variant of Uncertain Significance.